The following is an entry in ClinVar:

ClinVar aggregate classification (germline): Pathogenic (1 of 4 stars; one submission).

Conditions:
MHC class II deficiency. Also called: Bare lymphocyte syndrome 2; BLS, TYPE II. Identifiers: Orphanet 572, MedGen C5447452, MONDO:0008855.

Submission:

Labcorp Genetics (formerly Invitae), Labcorp
Classification: Pathogenic for MHC class II deficiency. Last evaluated: 2022-09-07. Review status: criteria provided, single submitter. Criteria: Invitae Variant Classification Sherloc (09022015). Collection method: clinical testing. Allele origin: germline.
Comment: This variant is present in population databases (no rsID available, gnomAD 0.0009%). For these reasons, this variant has been classified as Pathogenic. This variant has not been reported in the literature in individuals affected with CIITA-related conditions. This sequence change creates a premature translational stop signal (p.Gly350Valfs*11) in the CIITA gene. It is expected to result in an absent or disrupted protein product. Loss-of-function variants in CIITA are known to be pathogenic (PMID: 8402893, 9099848, 26271388).

Literature cited by the submitters: PubMed 8402893; PubMed 9099848; PubMed 26271388.

NM_000246.4(CIITA):c.1049del (p.Gly350fs)

Gene: CIITA (class II major histocompatibility complex transactivator; plus strand). Cytogenetic location: 16p13.13.
Variant type: Deletion.
Coding change: c.1049del on transcript NM_000246.4 (MANE Select); coding-DNA position 1049, one base deleted (G; older notation c.1049delG).
Protein change: p.Gly350fs; shifts the reading frame from glycine 350.
Molecular consequence: frameshift variant. On other transcripts: intron variant (1).
Genome position (GRCh38, 1-based): chr16:10,906,541, G deleted; the last of 2 consecutive G bases (chr16:10,906,540-10,906,541); deleting either gives the same sequence. VCF-style (leftmost placement, unchanged base first): chr16-10906539-TG-T. GRCh37 (hg19) VCF-style: chr16-11000396-TG-T.
Other names: c.980del, p.Gly327fs (NM_001379334.1); c.859+1729del (NM_001286403.2); c.1052del, p.Gly351fs (NM_001286402.1, NM_001379332.1); c.905del, p.Gly302fs (NM_001379330.1); c.902del, p.Gly301fs (NM_001379331.1); c.1049del, p.Gly350fs (NM_001379333.1); short protein forms G301fs, G351fs, G327fs, G350fs, G302fs.
Identifiers: ClinVar variation 2029447 (VCV002029447.4), dbSNP rs1567415157, ClinGen allele CA621175724.